The following is an entry in ClinVar:

NM_012388.4(BLOC1S6):c.205C>T (p.Gln69Ter)

Gene: BLOC1S6 (biogenesis of lysosomal organelles complex 1 subunit 6; plus strand). Cytogenetic location: 15q21.1.
Variant type: single nucleotide variant.
Coding change: c.205C>T on transcript NM_012388.4 (MANE Select); coding-DNA position 205, C replaced by T.
Protein change: p.Gln69Ter; replaces glutamine 69 with a stop codon.
Molecular consequence: nonsense. On other transcripts: non-coding transcript variant (5).
Genome position (GRCh38, 1-based): chr15:45,592,257, C>T. VCF-style: chr15-45592257-C-T. GRCh37 (hg19) VCF-style: chr15-45884455-C-T.
Other names: c.220C>T, p.Gln74Ter (NM_001311255.1, NM_001311256.1); short protein forms Q69*, Q74*.
Identifiers: ClinVar variation 4073708 (VCV004073708.1).

ClinVar aggregate classification (germline): Pathogenic (1 of 4 stars; one submission).

Conditions:
Hermansky-Pudlak syndrome 9 (HPS9). Identifiers: Orphanet 280663, Orphanet 79430, MedGen C3280026, MONDO:0013606, OMIM 614171.

Submission:

Department of Clinical Genetics, Copenhagen University Hospital, Rigshospitalet
Classification: Pathogenic for Hermansky-Pudlak syndrome 9. Last evaluated: 2025-05-23. Review status: criteria provided, single submitter. Criteria: ACMG Guidelines, 2015. Collection method: clinical testing. Allele origin: germline. Observed: 2 variant alleles.
Comment: The following ACMG criteria has been used: PVS1, PM2_sup, PM3